The following is an entry in ClinVar:

NM_001267550.2(TTN):c.42508dup (p.Met14170fs)

Gene: TTN (titin; minus strand). Cytogenetic location: 2q31.2.
Variant type: Duplication.
Coding change: c.42508dup on transcript NM_001267550.2 (MANE Select); coding-DNA position 42508, one base duplicated (A; older notation c.42508dupA).
Protein change: p.Met14170fs; shifts the reading frame from methionine 14170.
Molecular consequence: frameshift variant.
Genome position (GRCh38, 1-based): chr2:178,633,991, T duplicated on the plus strand (A on the coding strand, the reverse complement: TTN is on the minus strand); the first of 6 consecutive T bases (chr2:178,633,991-178,633,996); duplicating any one gives the same sequence. VCF-style (leftmost placement, unchanged base first): chr2-178633990-A-AT. GRCh37 (hg19) VCF-style: chr2-179498717-A-AT.
Other names: c.37585dupA (NM_001256850.1); c.37585dup, p.Met12529fs (NM_001256850.1); c.15313dup, p.Met5105fs (NM_003319.4); c.34804dup, p.Met11602fs (NM_133378.4); c.15688dup, p.Met5230fs (NM_133432.3); c.15889dup, p.Met5297fs (NM_133437.4); short protein forms M11602fs, M5297fs, M12529fs, M14170fs, M5230fs, M5105fs.
Identifiers: ClinVar variation 202439 (VCV000202439.2), dbSNP rs794729313, ClinGen allele CA309398.

ClinVar aggregate classification (germline): Conflicting classifications of pathogenicity. Review status: criteria provided, conflicting classifications (1 of 4 stars). 2 submissions from 2 submitters: Likely pathogenic (1); Uncertain significance (1). Last evaluated 2025-12-18.

Conditions:
Dilated cardiomyopathy 1G (CMD1G). Identifiers: Orphanet 154, MedGen C1858763, MONDO:0011400, OMIM 604145.

Submissions (2):

Variantyx, Inc.
Classification: Likely pathogenic for Dilated cardiomyopathy 1G. Last evaluated: 2025-12-18. Review status: criteria provided, single submitter. Criteria: Variantyx Assertion Criteria 2022. Collection method: clinical testing. Allele origin: germline. Inheritance: Autosomal dominant inheritance. Affected: yes.
Comment: This is a frameshift variant in the TTN gene (OMIM: 188840). Pathogenic variants in this gene have been associated with autosomal dominant dilated cardiomyopathy 1G. This variant introduces a premature termination codon in exon 231 out of 363 and is expected to result in loss of function. This variant is located in the I band of TTN (PMID: 25589632). Truncating variants in this region that are encoded in constitutive exons (PSI >90%) have been found to be significantly associated with dilated cardiomyopathy (PMID: 25589632, 27869827) (PVS1). This variant has a 0.0013% maximum allele frequency in non-founder control populations (PM2). Based on the current evidence, this variant is classified as likely pathogenic for autosomal dominant dilated cardiomyopathy 1G.

GeneDx
Classification: Uncertain significance. Last evaluated: 2014-04-10. Review status: criteria provided, single submitter. Criteria: GeneDx Variant Classification (06012015). Collection method: clinical testing. Allele origin: germline. Affected: yes.
Comment: c.37585dupA: p.Met12529AsnfsX9 (M12529NfsX9) in exon 181 of the TTN gene (NM_001256850.1). The normal sequence with the base that is duplicated in braces is: GAAAAA{A}TGCA.The c.37585dupA variant in the TTN gene has not been reported previously as a disease-causing mutation or as a benign polymorphism, to our knowledge. This variant was not observed in approximately 6,000 individuals of European and African American ancestry in the NHLBI Exome Sequencing Project, indicating it is not a common benign variant in these populations. The c.37585dupA variant causes a shift in reading frame starting at codon Methionine 12529, changing it to an Asparagine, and creating a premature stop codon at position 9 of the new reading frame, denoted p.Met12529AsnfsX9. This variant is expected to result in either an abnormal, truncated protein product or loss of protein from this allele through nonsense-mediated mRNA decay. However, c.37585dupA is not located in the A-band region of titin, where the majority of truncating mutations associated with DCM have been reported (Herman D et al., 2012). Other truncating TTN variants have been reported in approximately 3% of control alleles (Herman D et al., 2012). With the clinical and molecular information available at this time, we cannot definitively determine if c.37585dupA is a disease-causing mutation or a rare benign variant. The variant is found in CARDIOMYOPATHY panel(s).

Literature cited by the submitters: PubMed 25589632 (cited by Variantyx, Inc.); PubMed 27869827 (cited by Variantyx, Inc.).